The following is an entry in ClinVar:

ClinVar aggregate classification (germline): Uncertain significance. Review status: criteria provided, multiple submitters, no conflicts (2 of 4 stars). 3 submissions from 3 submitters: Uncertain significance (3). Last evaluated 2024-11-22.

Conditions:
Inborn genetic diseases. Identifiers: MedGen C0950123, MeSH D030342.
Neuronal ceroid lipofuscinosis 11. Also called: GRN-Related Neuronal Ceroid-Lipofuscinosis. Identifiers: Orphanet 314629, Orphanet 79262, MedGen C3539123, MONDO:0013866, OMIM 614706.
GRN-related frontotemporal lobar degeneration with Tdp43 inclusions (FTD2). Also called: GRN Frontotemporal Dementia; FRONTOTEMPORAL DEMENTIA WITH TDP43 INCLUSIONS, GRN-RELATED; DEMENTIA, HEREDITARY DYSPHASIC DISINHIBITION; FRONTOTEMPORAL LOBAR DEGENERATION WITH UBIQUITIN-POSITIVE INCLUSIONS; FTLD-TDP, GRN-RELATED. Identifiers: Orphanet 100070, Orphanet 282, MedGen C1843792, MONDO:0011842, OMIM 607485. Disease mechanism: loss of function.

Allele frequency attached by ClinVar (database versions not stated): ExAC 0.00001; gnomAD 0.00001; gnomAD exomes 0.00001; TOPMed 0.00003.

Submissions (3):

Ambry Genetics
Classification: Uncertain significance for Inborn genetic diseases. Last evaluated: 2024-11-22. Review status: criteria provided, single submitter. Criteria: Ambry Variant Classification Scheme 2023. Collection method: clinical testing. Allele origin: germline.

Labcorp Genetics (formerly Invitae), Labcorp
Classification: Uncertain significance for Neuronal ceroid lipofuscinosis 11; GRN-related frontotemporal lobar degeneration with Tdp43 inclusions. Last evaluated: 2021-06-26. Review status: criteria provided, single submitter. Criteria: Invitae Variant Classification Sherloc (09022015). Collection method: clinical testing. Allele origin: germline.
Comment: This sequence change replaces proline with leucine at codon 483 of the GRN protein (p.Pro483Leu). The proline residue is moderately conserved and there is a moderate physicochemical difference between proline and leucine. In summary, the available evidence is currently insufficient to determine the role of this variant in disease. Therefore, it has been classified as a Variant of Uncertain Significance. Algorithms developed to predict the effect of missense changes on protein structure and function are either unavailable or do not agree on the potential impact of this missense change (SIFT: "Deleterious"; PolyPhen-2: "Probably Damaging"; Align-GVGD: "Class C0"). This variant has not been reported in the literature in individuals with GRN-related conditions. ClinVar contains an entry for this variant (Variation ID: 586217). This variant is present in population databases (rs774128685, ExAC 0.002%).

Athena Diagnostics
Classification: Uncertain significance. Last evaluated: 2018-05-30. Review status: criteria provided, single submitter. Criteria: Athena Diagnostics Criteria. Collection method: clinical testing. Allele origin: germline.

NM_002087.4(GRN):c.1448C>T (p.Pro483Leu)

Gene: GRN (granulin precursor; plus strand). Cytogenetic location: 17q21.31.
Variant type: single nucleotide variant.
Coding change: c.1448C>T on transcript NM_002087.4 (MANE Select); coding-DNA position 1448, C replaced by T.
Protein change: p.Pro483Leu; replaces proline 483 with leucine.
Molecular consequence: missense variant.
Genome position (GRCh38, 1-based): chr17:44,352,375, C>T. VCF-style: chr17-44352375-C-T. GRCh37 (hg19) VCF-style: chr17-42429743-C-T.
Other names: short protein forms P483L.
Identifiers: ClinVar variation 586217 (VCV000586217.10), dbSNP rs774128685, ClinGen allele CA8602212.